The following is an entry in ClinVar:

ClinVar aggregate classification (germline): Uncertain significance (1 of 4 stars; one submission).

Allele frequency attached by ClinVar (database versions not stated): gnomAD exomes below 0.00001; TOPMed below 0.00001; gnomAD 0.00001.

Submission:

Genetic Services Laboratory, University of Chicago
Classification: Uncertain significance. Last evaluated: 2020-06-15. Review status: criteria provided, single submitter. Criteria: ACMG Guidelines, 2015. Collection method: clinical testing. Allele origin: germline. Affected: no.
Comment: DNA sequence analysis of the FANCA gene demonstrated a sequence change, c.521A>G, in exon 5 that results in an amino acid change, p.Gln174Arg. This sequence change does not appear to have been previously described in patients with FANCA-related disorders and has been described in the gnomAD database in one individual (dbSNP rs1378106123). The p.Gln174Arg change affects a poorly conserved amino acid residue located in a domain of the FANCA protein that is not known to be functional. In-silico pathogenicity prediction tools (SIFT, PolyPhen2, Align GVGD, REVEL) provide contradictory results for the p.Gln174Arg substitution. Due to these contrasting evidences and the lack of functional studies, the clinical significance of the p.Gln174Arg change remains unknown at this time.

NM_000135.4(FANCA):c.521A>G (p.Gln174Arg)

Gene: FANCA (FA complementation group A; minus strand). Cytogenetic location: 16q24.3.
Variant type: single nucleotide variant.
Coding change: c.521A>G on transcript NM_000135.4 (MANE Select); coding-DNA position 521, A replaced by G.
Protein change: p.Gln174Arg; replaces glutamine 174 with arginine.
Molecular consequence: missense variant. On other transcripts: intron variant (1).
Genome position (GRCh38, 1-based): chr16:89,810,708, T>C on the plus strand (A>G on the coding strand, the complement: FANCA is on the minus strand). VCF-style: chr16-89810708-T-C. GRCh37 (hg19) VCF-style: chr16-89877116-T-C.
Other names: c.521A>G, p.Gln174Arg (NM_001018112.3, NM_001286167.3); c.426+221A>G (NM_001351830.2); short protein forms Q174R.
Identifiers: ClinVar variation 1337667 (VCV001337667.4), dbSNP rs1378106123, ClinGen allele CA397480637.